The following is an entry in ClinVar:

NM_001102564.3(IFT43):c.296-5686_296-5685del

Gene: IFT43 (intraflagellar transport 43; plus strand). Cytogenetic location: 14q24.3.
Variant type: Deletion.
Coding change: c.296-5686_296-5685del on transcript NM_001102564.3 (MANE Select); 5686 bases into the intron before coding-DNA position 296 through 5685 bases into the intron before coding-DNA position 296, 2 bases deleted (AG; older notation c.296-5686_296-5685delAG).
Molecular consequence: intron variant. On other transcripts: frameshift variant (1).
Genome position (GRCh38, 1-based): chr14:76,076,609-76,076,610, AG deleted. VCF-style (leftmost placement, unchanged base first): chr14-76076608-CAG-C. GRCh37 (hg19) VCF-style: chr14-76542951-CAG-C.
Other names: c.228_229del (NM_052873.2); c.228_229del, p.Gly77fs (NM_052873.3); short protein forms G77fs.
Identifiers: ClinVar variation 1954624 (VCV001954624.9), dbSNP rs750135817, ClinGen allele CA7280788.

ClinVar aggregate classification (germline): Conflicting classifications of pathogenicity. Review status: criteria provided, conflicting classifications (1 of 4 stars). 3 submissions from 3 submitters: Pathogenic (1); Likely pathogenic (1); Uncertain significance (1). Last evaluated 2023-12-29.

Conditions:
Cranioectodermal dysplasia 3 (CED3). Identifiers: Orphanet 1515, MedGen C3279807, MONDO:0013573, OMIM 614099.
Short-rib thoracic dysplasia 18 with polydactyly. Identifiers: MedGen C4693420, MONDO:0036483, OMIM 617866.
Retinitis pigmentosa 81 (RP81). Identifiers: MedGen C4693443, MONDO:0036482, OMIM 617871.

Allele frequency attached by ClinVar (database versions not stated): gnomAD exomes below 0.00001; TOPMed below 0.00001; ExAC 0.00001.

Submissions (3):

Fulgent Genetics
Classification: Likely pathogenic for Cranioectodermal dysplasia 3; Short-rib thoracic dysplasia 18 with polydactyly; Retinitis pigmentosa 81. Last evaluated: 2023-12-29. Review status: criteria provided, single submitter. Criteria: ACMG Guidelines, 2015. Collection method: clinical testing. Allele origin: germline.

Labcorp Genetics (formerly Invitae), Labcorp
Classification: Pathogenic. Last evaluated: 2022-11-08. Review status: criteria provided, single submitter. Criteria: Invitae Variant Classification Sherloc (09022015). Collection method: clinical testing. Allele origin: germline.
Comment: For these reasons, this variant has been classified as Pathogenic. This variant has not been reported in the literature in individuals affected with IFT43-related conditions. This variant is present in population databases (rs750135817, gnomAD 0.01%). This sequence change creates a premature translational stop signal (p.Gly77Glnfs*62) in the IFT43 gene. It is expected to result in an absent or disrupted protein product. Loss-of-function variants in IFT43 are known to be pathogenic (PMID: 21378380, 28400947).

Revvity Omics, Revvity
Classification: Uncertain significance. Last evaluated: 2019-08-15. Review status: criteria provided, single submitter. Criteria: ACMG Guidelines, 2015. Collection method: clinical testing. Allele origin: germline.

Literature cited by the submitters: PubMed 21378380 (cited by Labcorp Genetics (formerly Invitae), Labcorp); PubMed 28400947 (cited by Labcorp Genetics (formerly Invitae), Labcorp).